The following is an entry in ClinVar:

ClinVar aggregate classification (germline): Uncertain significance (1 of 4 stars; one submission).

Allele frequency attached by ClinVar (database versions not stated): gnomAD exomes below 0.00001; gnomAD 0.00001; 1000 Genomes Project 30x 0.00016; 1000 Genomes Project 0.00020.
gnomAD v4.1: 4 of 1,613,702 alleles (0.00025%); highest among the groups gnomAD compares: African/African-American, 0.004%; no homozygotes.

Submission:

Labcorp Genetics (formerly Invitae), Labcorp
Classification: Uncertain significance. Last evaluated: 2022-12-09. Review status: criteria provided, single submitter. Criteria: Invitae Variant Classification Sherloc (09022015). Collection method: clinical testing. Allele origin: germline.
Comment: In summary, the available evidence is currently insufficient to determine the role of this variant in disease. Therefore, it has been classified as a Variant of Uncertain Significance. This variant disrupts the p.Pro205 amino acid residue in CDH2. Other variant(s) that disrupt this residue have been determined to be pathogenic (PMID: 33566628). This suggests that this residue is clinically significant, and that variants that disrupt this residue are likely to be disease-causing. Algorithms developed to predict the effect of missense changes on protein structure and function are either unavailable or do not agree on the potential impact of this missense change (SIFT: "Deleterious"; PolyPhen-2: "Possibly Damaging"; Align-GVGD: "Class C0"). This missense change has been observed in individual(s) with clinical features of arrhythmogenic cardiomyopathy (Invitae). This variant is not present in population databases (gnomAD no frequency). This sequence change replaces proline, which is neutral and non-polar, with serine, which is neutral and polar, at codon 205 of the CDH2 protein (p.Pro205Ser).

Literature cited by the submitters: PubMed 33566628.

NM_001792.5(CDH2):c.613C>T (p.Pro205Ser)

Gene: CDH2 (cadherin 2; minus strand). Cytogenetic location: 18q12.1.
Variant type: single nucleotide variant.
Coding change: c.613C>T on transcript NM_001792.5 (MANE Select); coding-DNA position 613, C replaced by T.
Protein change: p.Pro205Ser; replaces proline 205 with serine.
Molecular consequence: missense variant.
Genome position (GRCh38, 1-based): chr18:28,009,806, G>A on the plus strand (C>T on the coding strand, the complement: CDH2 is on the minus strand). VCF-style: chr18-28009806-G-A. GRCh37 (hg19) VCF-style: chr18-25589770-G-A.
Other names: c.520C>T, p.Pro174Ser (NM_001308176.2); short protein forms P205S, P174S.
Identifiers: ClinVar variation 2777675 (VCV002777675.3), dbSNP rs566720668, ClinGen allele CA297918004.